The following is an entry in ClinVar:

ClinVar aggregate classification (germline): Uncertain significance (1 of 4 stars; one submission).

Conditions:
Cardiovascular phenotype. Identifiers: MedGen CN230736.

Allele frequency attached by ClinVar (database versions not stated): TOPMed below 0.00001; gnomAD exomes 0.00001.
gnomAD v4.1: 3 of 1,600,574 alleles (0.00019%); highest among the groups gnomAD compares: Non-Finnish European, 0.00026%; no homozygotes.

Submission:

Ambry Genetics
Classification: Uncertain significance for Cardiovascular phenotype. Last evaluated: 2023-04-14. Review status: criteria provided, single submitter. Criteria: Ambry Variant Classification Scheme 2023. Collection method: clinical testing. Allele origin: germline.
Comment: The p.F356S variant (also known as c.1067T>C), located in coding exon 8 of the TBX20 gene, results from a T to C substitution at nucleotide position 1067. The phenylalanine at codon 356 is replaced by serine, an amino acid with highly dissimilar properties. This amino acid position is conserved. In addition, this alteration is predicted to be deleterious by in silico analysis. Since supporting evidence is limited at this time, the clinical significance of this alteration remains unclear.

NM_001077653.2(TBX20):c.1067T>C (p.Phe356Ser)

Gene: TBX20 (T-box transcription factor 20; minus strand). Cytogenetic location: 7p14.2.
Variant type: single nucleotide variant.
Coding change: c.1067T>C on transcript NM_001077653.2 (MANE Select); coding-DNA position 1067, T replaced by C.
Protein change: p.Phe356Ser; replaces phenylalanine 356 with serine.
Molecular consequence: missense variant.
Genome position (GRCh38, 1-based): chr7:35,202,707, A>G on the plus strand (T>C on the coding strand, the complement: TBX20 is on the minus strand). VCF-style: chr7-35202707-A-G. GRCh37 (hg19) VCF-style: chr7-35242319-A-G.
Other names: short protein forms F356S.
Identifiers: ClinVar variation 2565377 (VCV002565377.2), dbSNP rs1171898316, ClinGen allele CA367263283.